The following is an entry in ClinVar:

ClinVar aggregate classification (germline): Uncertain significance (1 of 4 stars; one submission).

Conditions:
Muscle AMP deaminase deficiency (MMDD). Also called: Myoadenylate deaminase deficiency, myopathy due to; Adenosine monophosphate deaminase 1 deficiency; AMP deaminase 1 deficiency; Adenosine Monophosphate Deaminase 1; ADENOSINE MONOPHOSPHATE DEAMINASE-1 DEFICIENCY, MYOPATHY DUE TO; AMPD1 DEFICIENCY. Identifiers: Orphanet 45, MedGen C3714933, MONDO:0014220, OMIM 615511.

gnomAD v4.1: 52 of 1,614,062 alleles (0.0032%); highest among the groups gnomAD compares: Middle Eastern, 0.016%; no homozygotes.

Submission:

Labcorp Genetics (formerly Invitae), Labcorp
Classification: Uncertain significance for Muscle AMP deaminase deficiency. Last evaluated: 2026-01-31. Review status: criteria provided, single submitter. Criteria: Invitae Variant Classification Sherloc (09022015). Collection method: clinical testing. Allele origin: germline.
Comment: This sequence change replaces arginine, which is basic and polar, with histidine, which is basic and polar, at codon 68 of the AMPD1 protein (p.Arg68His). This variant is present in population databases (rs147972392, gnomAD 0.01%). This variant has not been reported in the literature in individuals affected with AMPD1-related conditions. ClinVar contains an entry for this variant (Variation ID: 1361195). An algorithm developed to predict the effect of missense changes on protein structure and function outputs the following: PolyPhen-2: "Benign". The histidine amino acid residue is found in multiple mammalian species, which suggests that this missense change does not adversely affect protein function. In summary, the available evidence is currently insufficient to determine the role of this variant in disease. Therefore, it has been classified as a Variant of Uncertain Significance.

NM_000036.3(AMPD1):c.104G>A (p.Arg35His)

Gene: AMPD1 (adenosine monophosphate deaminase 1; minus strand). Cytogenetic location: 1p13.2.
Variant type: single nucleotide variant.
Coding change: c.104G>A on transcript NM_000036.3 (MANE Select); coding-DNA position 104, G replaced by A.
Protein change: p.Arg35His; replaces arginine 35 with histidine.
Molecular consequence: missense variant.
Genome position (GRCh38, 1-based): chr1:114,688,672, C>T on the plus strand (G>A on the coding strand, the complement: AMPD1 is on the minus strand). VCF-style: chr1-114688672-C-T. GRCh37 (hg19) VCF-style: chr1-115231293-C-T.
Other names: c.92G>A, p.Arg31His (NM_001172626.2); short protein forms R31H, R35H.
Identifiers: ClinVar variation 1361195 (VCV001361195.4), dbSNP rs147972392, ClinGen allele CA1020557.
Genomic context (GRCh38, chr1:114,688,672, plus strand): 5'-TGCATCTCATGATGAGAAATCGGACAGATCTCATCCACATCAAAGGGGGAAATCTCCTGA[C>T]GACCTCCTTCATCTTTGACTTCAGAGGCAAACACTTTTTCAGCAAAGTTGCGCATTGCAT-3'
Protein context (NP_000027.3, residues 25-45): FASEVKDEGG[Arg35His]QEISPFDVDE